The following is an entry in ClinVar:

NM_001191061.2(SLC25A22):c.-163-875C>T

Gene: SLC25A22 (solute carrier family 25 member 22; minus strand). Cytogenetic location: 11p15.5.
Variant type: single nucleotide variant.
Coding change: c.-163-875C>T on transcript NM_001191061.2 (MANE Select); 875 bases into the intron before 163 bases upstream of the start codon, C replaced by T.
Molecular consequence: intron variant. On other transcripts: 5 prime UTR variant (1).
Genome position (GRCh38, 1-based): chr11:796,044, G>A on the plus strand (C>T on the coding strand, the complement: SLC25A22 is on the minus strand). VCF-style: chr11-796044-G-A. GRCh37 (hg19) VCF-style: chr11-796044-G-A.
Other names: c.-165C>T (NM_024698.6); c.-163-875C>T (NM_001191060.2).
Identifiers: ClinVar variation 207156 (VCV000207156.2), dbSNP rs559971351, ClinGen allele CA318350.

ClinVar aggregate classification (germline): Uncertain significance (1 of 4 stars; one submission).

Allele frequency attached by ClinVar (database versions not stated): gnomAD 0.00003; TOPMed 0.00005; 1000 Genomes Project 30x 0.00016; 1000 Genomes Project 0.00020.

Submission:

GeneDx
Classification: Uncertain significance. Last evaluated: 2017-07-13. Review status: criteria provided, single submitter. Criteria: GeneDx Variant Classification (06012015). Collection method: clinical testing. Allele origin: germline. Affected: yes.
Comment: A variant of uncertain significance has been identified in the SLC25A22 gene. The c.-165 C>T variant has not been published as a pathogenic variant, nor has it been reported as a benign variant to our knowledge. No data are available from control populations to assess the frequency of this variant. Several in-silico splice prediction models predict that c.-165 C>T may destroy the natural donor site in intron 1 and lead to abnormal gene splicing. However, in the absence of RNA/functional studies, the actual effect of this sequence change in this individual is unknown. Additionally, this substitution occurs at a position that is not conserved. Therefore, based on the currently available information, it is unclear whether this variant is a pathogenic variant or a rare benign variant.